The following is an entry in ClinVar:

ClinVar aggregate classification (germline): Uncertain significance. Review status: criteria provided, multiple submitters, no conflicts (2 of 4 stars). 2 submissions from 2 submitters: Uncertain significance (2). Last evaluated 2024-10-14.

Conditions:
Hereditary cancer-predisposing syndrome. Also called: Neoplastic Syndromes, Hereditary; Tumor predisposition; Hereditary Cancer Syndrome; Hereditary neoplastic syndrome. Identifiers: Orphanet 140162, MedGen C0027672, MeSH D009386, MONDO:0015356.
Neurofibromatosis, type 2 (SWNV). Also called: BILATERAL ACOUSTIC NEUROFIBROMATOSIS; SCHWANNOMATOSIS, VESTIBULAR; NF2-Related Schwannomatosis. Identifiers: Orphanet 637, MedGen C0027832, MONDO:0007039, OMIM 101000. Disease mechanism: loss of function.

Submissions (2):

Ambry Genetics
Classification: Uncertain significance for Hereditary cancer-predisposing syndrome. Last evaluated: 2024-10-14. Review status: criteria provided, single submitter. Criteria: Ambry Variant Classification Scheme 2023. Collection method: clinical testing. Allele origin: germline.
Comment: The p.I210M variant (also known as c.630A>G), located in coding exon 7 of the NF2 gene, results from an A to G substitution at nucleotide position 630. The isoleucine at codon 210 is replaced by methionine, an amino acid with highly similar properties. This amino acid position is conserved. In addition, the in silico prediction for this alteration is inconclusive. Based on the available evidence, the clinical significance of this variant remains unclear.

Labcorp Genetics (formerly Invitae), Labcorp
Classification: Uncertain significance for Neurofibromatosis, type 2. Last evaluated: 2023-12-19. Review status: criteria provided, single submitter. Criteria: Invitae Variant Classification Sherloc (09022015). Collection method: clinical testing. Allele origin: germline.
Comment: This sequence change replaces isoleucine, which is neutral and non-polar, with methionine, which is neutral and non-polar, at codon 210 of the NF2 protein (p.Ile210Met). This variant is not present in population databases (gnomAD no frequency). This variant has not been reported in the literature in individuals affected with NF2-related conditions. Advanced modeling of protein sequence and biophysical properties (such as structural, functional, and spatial information, amino acid conservation, physicochemical variation, residue mobility, and thermodynamic stability) performed at Invitae indicates that this missense variant is expected to disrupt NF2 protein function with a positive predictive value of 80%. In summary, the available evidence is currently insufficient to determine the role of this variant in disease. Therefore, it has been classified as a Variant of Uncertain Significance.

NM_000268.4(NF2):c.630A>G (p.Ile210Met)

Gene: NF2 (NF2, moesin-ezrin-radixin like (MERLIN) tumor suppressor; plus strand). Cytogenetic location: 22q12.2.
Variant type: single nucleotide variant.
Coding change: c.630A>G on transcript NM_000268.4 (MANE Select); coding-DNA position 630, A replaced by G.
Protein change: p.Ile210Met; replaces isoleucine 210 with methionine.
Molecular consequence: missense variant. On other transcripts: intron variant (1).
Genome position (GRCh38, 1-based): chr22:29,658,219, A>G. VCF-style: chr22-29658219-A-G. GRCh37 (hg19) VCF-style: chr22-30054208-A-G.
Other names: c.516A>G, p.Ile172Met (NM_001407053.1, NM_001407056.1); c.507A>G, p.Ile169Met (NM_001407054.1, NM_001407058.1, NM_001407062.1 and 1 more transcripts); c.504A>G, p.Ile168Met (NM_001407055.1, NM_181828.3); c.630A>G, p.Ile210Met (NM_001407057.1, NM_001407059.1, NM_001407060.1 and 4 more transcripts); c.381A>G, p.Ile127Met (NM_001407063.1, NM_001407064.1, NM_181830.3 and 1 more transcripts); c.96A>G, p.Ile32Met (NM_001407065.1); c.399A>G, p.Ile133Met (NM_001407067.1); c.447+15934A>G (NM_181833.3); short protein forms I127M, I168M, I133M, I169M, I172M, I210M, I32M.
Identifiers: ClinVar variation 2704045 (VCV002704045.4), dbSNP rs2146989764, ClinGen allele CA411143033.
Genomic context (GRCh38, chr22:29,658,219, plus strand): 5'-CAATGACAGTGTCTTCCGTTCTCCCCACAGGGATGAAGCTGAAATGGAATATCTGAAGAT[A>G]GCTCAGGACCTGGAGATGTACGGTGTGAACTACTTTGCAATCCGGGTGTGTTGAAACCTC-3'
Protein context (NP_000259.1, residues 200-220): RDEAEMEYLK[Ile210Met]AQDLEMYGVN